The following is an entry in ClinVar:

NM_001136191.3(KANK2):c.1688A>G (p.Gln563Arg)

Gene: KANK2 (KN motif and ankyrin repeat domains 2; minus strand). Cytogenetic location: 19p13.2.
Variant type: single nucleotide variant.
Coding change: c.1688A>G on transcript NM_001136191.3 (MANE Select); coding-DNA position 1688, A replaced by G.
Protein change: p.Gln563Arg; replaces glutamine 563 with arginine.
Molecular consequence: missense variant.
Genome position (GRCh38, 1-based): chr19:11,176,650, T>C on the plus strand (A>G on the coding strand, the complement: KANK2 is on the minus strand). VCF-style: chr19-11176650-T-C. GRCh37 (hg19) VCF-style: chr19-11287326-T-C.
Other names: p.Gln563Arg; c.1688A>G, p.Gln563Arg (NM_001329451.2, NM_001379555.1, NM_001379556.1 and 7 more transcripts); c.1712A>G, p.Gln571Arg (NM_001379548.1, NM_001379549.1, NM_001379550.1 and 5 more transcripts); short protein forms Q563R, Q571R.
Identifiers: ClinVar variation 779042 (VCV000779042.14), dbSNP rs61733491, ClinGen allele CA9205567.
Genomic context (GRCh38, chr19:11,176,650, plus strand): 5'-TCCGTGTTTGATCCTGATGCCCCCTCAGCAGTGGGTATGTGCTGAGATTCTCGAGACAGC[T>C]GACACTCCTGCCGGCTGGTCTTGGCCGCTGCCGTCCCTGCAGGCCTGAGCTGGGGGGCTT-3'
Protein context (NP_001129663.1, residues 553-573): AAAKTSRQEC[Gln563Arg]LSRESQHIPT

ClinVar aggregate classification (germline): Benign/Likely benign. Review status: criteria provided, multiple submitters, no conflicts (2 of 4 stars). 5 submissions from 5 submitters: Benign (2); Likely benign (3). Last evaluated 2026-01-26.

Allele frequency attached by ClinVar (database versions not stated): ESP Exome Variant Server 0.00008; gnomAD exomes 0.00117 and 0.00533; gnomAD 0.00202 and 0.00214; TOPMed 0.00407; ExAC 0.00428; 1000 Genomes Project 0.00519; 1000 Genomes Project 30x 0.00593.
gnomAD v4.1: 2,028 of 1,613,478 alleles (0.13%); highest among the groups gnomAD compares: Admixed American, 3.2%; 53 homozygotes.

Submissions (5):

Labcorp Genetics (formerly Invitae), Labcorp
Classification: Benign. Last evaluated: 2026-01-26. Review status: criteria provided, single submitter. Criteria: Invitae Variant Classification Sherloc (09022015). Collection method: clinical testing. Allele origin: germline.

Blueprint Genetics
Classification: Likely benign. Last evaluated: 2024-11-18. Review status: criteria provided, single submitter. Criteria: ACMG Guidelines, 2015. Collection method: clinical testing. Allele origin: germline.

Mayo Clinic Laboratories, Mayo Clinic
Classification: Benign. Last evaluated: 2024-08-14. Review status: criteria provided, single submitter. Criteria: ACMG Guidelines, 2015. Collection method: clinical testing. Allele origin: germline. Observed: 4 variant alleles.
Comment: BS1, BS2, BP4

GeneDx
Classification: Likely benign. Last evaluated: 2020-10-30. Review status: criteria provided, single submitter. Criteria: GeneDx Variant Classification Process June 2021. Collection method: clinical testing. Allele origin: germline. Affected: yes.

Breakthrough Genomics
Classification: Likely benign. Review status: criteria provided, single submitter. Criteria: ACMG Guidelines, 2015. Collection method: not provided. Allele origin: germline. Inheritance: Autosomal recessive inheritance. Affected: yes.